The following is an entry in ClinVar:

NM_177438.3(DICER1):c.4192G>A (p.Glu1398Lys)

Gene: DICER1 (dicer 1, ribonuclease III; minus strand). Cytogenetic location: 14q32.13.
Variant type: single nucleotide variant.
Coding change: c.4192G>A on transcript NM_177438.3 (MANE Select); coding-DNA position 4192, G replaced by A.
Protein change: p.Glu1398Lys; replaces glutamic acid 1398 with lysine.
Molecular consequence: missense variant. On other transcripts: non-coding transcript variant (6).
Genome position (GRCh38, 1-based): chr14:95,099,794, C>T on the plus strand (G>A on the coding strand, the complement: DICER1 is on the minus strand). VCF-style: chr14-95099794-C-T. GRCh37 (hg19) VCF-style: chr14-95566131-C-T.
Other names: c.4192G>A, p.Glu1398Lys (NM_001195573.1, NM_001271282.3, NM_001291628.2 and 12 more transcripts); c.3910G>A, p.Glu1304Lys (NM_001395686.1); c.3787G>A, p.Glu1263Lys (NM_001395687.1, NM_001395688.1, NM_001395689.1 and 2 more transcripts); c.3625G>A, p.Glu1209Lys (NM_001395691.1); c.2509G>A, p.Glu837Lys (NM_001395697.1); short protein forms E1263K, E1209K, E1304K, E837K, E1398K.
Identifiers: ClinVar variation 3501877 (VCV003501877.1).

ClinVar aggregate classification (germline): Uncertain significance (1 of 4 stars; one submission).

Conditions:
Hereditary cancer-predisposing syndrome. Also called: Tumor predisposition; Neoplastic Syndromes, Hereditary; Hereditary Cancer Syndrome; Hereditary neoplastic syndrome. Identifiers: Orphanet 140162, MedGen C0027672, MeSH D009386, MONDO:0015356.

Submission:

Ambry Genetics
Classification: Uncertain significance for Hereditary cancer-predisposing syndrome. Last evaluated: 2024-08-12. Review status: criteria provided, single submitter. Criteria: Ambry Variant Classification Scheme 2023. Collection method: clinical testing. Allele origin: germline.
Comment: The p.E1398K variant (also known as c.4192G>A), located in coding exon 21 of the DICER1 gene, results from a G to A substitution at nucleotide position 4192. The glutamic acid at codon 1398 is replaced by lysine, an amino acid with similar properties. This amino acid position is conserved. In addition, the in silico prediction for this alteration is inconclusive. Based on the available evidence, the clinical significance of this variant remains unclear.